The following is an entry in ClinVar:

ClinVar aggregate classification (germline): Uncertain significance (1 of 4 stars; one submission).

Conditions:
Dilated cardiomyopathy 1AA (CMD1AA). Also called: CARDIOMYOPATHY, DILATED, 1AA, WITH OR WITHOUT LEFT VENTRICULAR NONCOMPACTION; CARDIOMYOPATHY, FAMILIAL HYPERTROPHIC, 23, WITH OR WITHOUT LEFT VENTRICULAR NONCOMPACTION; Cardiomyopathy, dilated, 1AA, with or without LVNC. Identifiers: Orphanet 154, MedGen C2677338, MONDO:0012808, OMIM 612158.
Primary familial hypertrophic cardiomyopathy (HCM). Identifiers: Orphanet 99739, MedGen C0949658, MeSH D024741, MONDO:0024573. Inheritance: Various modes of inheritance.

gnomAD v4.1: 1 of 1,614,214 alleles (0.000062%); no homozygotes.

Submission:

Labcorp Genetics (formerly Invitae), Labcorp
Classification: Uncertain significance for Primary familial hypertrophic cardiomyopathy; Dilated cardiomyopathy 1AA. Last evaluated: 2025-10-27. Review status: criteria provided, single submitter. Criteria: Invitae Variant Classification Sherloc (09022015). Collection method: clinical testing. Allele origin: germline.
Comment: This sequence change replaces threonine, which is neutral and polar, with alanine, which is neutral and non-polar, at codon 825 of the ACTN2 protein (p.Thr825Ala). This variant is not present in population databases (gnomAD no frequency). This variant has not been reported in the literature in individuals affected with ACTN2-related conditions. Invitae Evidence Modeling of protein sequence and biophysical properties (such as structural, functional, and spatial information, amino acid conservation, physicochemical variation, residue mobility, and thermodynamic stability) indicates that this missense variant is not expected to disrupt ACTN2 protein function with a negative predictive value of 95%. In summary, the available evidence is currently insufficient to determine the role of this variant in disease. Therefore, it has been classified as a Variant of Uncertain Significance.

NM_001103.4(ACTN2):c.2473A>G (p.Thr825Ala)

Gene: ACTN2 (actinin alpha 2; plus strand). Cytogenetic location: 1q43.
Variant type: single nucleotide variant.
Coding change: c.2473A>G on transcript NM_001103.4 (MANE Select); coding-DNA position 2473, A replaced by G.
Protein change: p.Thr825Ala; replaces threonine 825 with alanine.
Molecular consequence: missense variant. On other transcripts: non-coding transcript variant (1).
Genome position (GRCh38, 1-based): chr1:236,761,120, A>G. VCF-style: chr1-236761120-A-G. GRCh37 (hg19) VCF-style: chr1-236924420-A-G.
Other names: c.2473A>G, p.Thr825Ala (NM_001278343.2); short protein forms T825A.
Identifiers: ClinVar variation 4788156 (VCV004788156.1).
Genomic context (GRCh38, chr1:236,761,120, plus strand): 5'-GGGCAAGGCACCGTCACCTTCCAATCCTTCATCGACTTCATGACTAGAGAGACGGCTGAC[A>G]CCGACACTGCCGAGCAGGTCATCGCCTCCTTCCGGATCCTGGCTTCTGATAAGGTCTGCA-3'
Protein context (NP_001094.1, residues 815-835): IDFMTRETAD[Thr825Ala]DTAEQVIASF